The following is an entry in ClinVar:

NM_000222.3(KIT):c.2700T>A (p.Tyr900Ter)

Gene: KIT (KIT proto-oncogene, receptor tyrosine kinase; plus strand). Cytogenetic location: 4q12.
Variant type: single nucleotide variant.
Coding change: c.2700T>A on transcript NM_000222.3 (MANE Select); coding-DNA position 2700, T replaced by A.
Protein change: p.Tyr900Ter; replaces tyrosine 900 with a stop codon.
Molecular consequence: nonsense.
Genome position (GRCh38, 1-based): chr4:54,737,178, T>A. VCF-style: chr4-54737178-T-A. GRCh37 (hg19) VCF-style: chr4-55603344-T-A.
Other names: c.2691T>A, p.Tyr897Ter (NM_001385288.1); c.2700T>A, p.Tyr900Ter (NM_001385290.1); c.2688T>A, p.Tyr896Ter (NM_001385292.1, NM_001093772.2); c.2703T>A, p.Tyr901Ter (NM_001385284.1); c.2697T>A, p.Tyr899Ter (NM_001385285.1); c.2685T>A, p.Tyr895Ter (NM_001385286.1); short protein forms Y895*, Y896*, Y897*, Y899*, Y900*, Y901*.
Identifiers: ClinVar variation 3066083 (VCV003066083.2), dbSNP rs2475585321, ClinGen allele CA356914177.

ClinVar aggregate classification (germline): Pathogenic (1 of 4 stars; one submission).

Conditions:
Piebaldism. Also called: Piebald skin depigmentation. Identifiers: Orphanet 2884, MedGen C0080024, MONDO:0008244, OMIM 172800, HP:0007544.

Submission:

Cytogenomix Sdn. Bhd.
Classification: Pathogenic for Piebaldism. Last evaluated: 2024-01-12. Review status: criteria provided, single submitter. Criteria: ACMG Guidelines, 2015. Collection method: clinical testing. Allele origin: unknown. Inheritance: Autosomal dominant inheritance. Affected: yes. Observed: 1 heterozygote.
Comment: The observed variant c.2700T>A (p.Tyr900*) in KIT gene is expected to result in an absent or disrupted protein product. Loss-of-function variants in KIT are known to be pathogenic. Alteration in the KIT gene resulting in premature translational stop signal has been observed in individual(s) with piebaldism.

Literature cited by the submitters: PubMed 15194144; PubMed 7529964.